The following is an entry in ClinVar:

ClinVar aggregate classification (germline): Conflicting classifications of pathogenicity. Review status: criteria provided, conflicting classifications (1 of 4 stars). 6 submissions from 6 submitters: Uncertain significance (5); Likely benign (1). Last evaluated 2025-10-09.

Conditions:
Chuvash polycythemia. Also called: POLYCYTHEMIA, VHL-DEPENDENT. Identifiers: Orphanet 238557, MedGen C1837915, MONDO:0009892, OMIM 263400.
Von Hippel-Lindau syndrome (VHLS). Also called: von Hippel–Lindau syndrome; Von Hippel-Lindau; VHL syndrome. Identifiers: Orphanet 892, MedGen C0019562, MONDO:0008667, OMIM 193300. Disease mechanism: loss of function.
Hereditary cancer-predisposing syndrome. Also called: Neoplastic Syndromes, Hereditary; Tumor predisposition; Hereditary neoplastic syndrome; Hereditary Cancer Syndrome. Identifiers: Orphanet 140162, MedGen C0027672, MeSH D009386, MONDO:0015356.

Allele frequency attached by ClinVar (database versions not stated): gnomAD 0.00001; TOPMed 0.00001.
gnomAD v4.1: 4 of 1,614,052 alleles (0.00025%); highest among the groups gnomAD compares: Non-Finnish European, 0.00034%; no homozygotes.

Submissions (6):

Ambry Genetics
Classification: Likely benign for Hereditary cancer-predisposing syndrome. Last evaluated: 2025-10-09. Review status: criteria provided, single submitter. Criteria: Ambry Variant Classification Scheme 2023. Collection method: clinical testing. Allele origin: germline.

Labcorp Genetics (formerly Invitae), Labcorp
Classification: Uncertain significance for Von Hippel-Lindau syndrome; Chuvash polycythemia. Last evaluated: 2025-09-01. Review status: criteria provided, single submitter. Criteria: Invitae Variant Classification Sherloc (09022015). Collection method: clinical testing. Allele origin: germline.
Comment: This sequence change replaces asparagine, which is neutral and polar, with serine, which is neutral and polar, at codon 193 of the VHL protein (p.Asn193Ser). This variant is not present in population databases (gnomAD no frequency). This variant has not been reported in the literature in individuals affected with VHL-related conditions. ClinVar contains an entry for this variant (Variation ID: 246368). Invitae Evidence Modeling of protein sequence and biophysical properties (such as structural, functional, and spatial information, amino acid conservation, physicochemical variation, residue mobility, and thermodynamic stability) has been performed for this missense variant. However, the output from this modeling did not meet the statistical confidence thresholds required to predict the impact of this variant on VHL protein function. RNA analysis performed to evaluate the impact of this missense change on mRNA splicing indicates it does not significantly alter splicing (internal data). In summary, the available evidence is currently insufficient to determine the role of this variant in disease. Therefore, it has been classified as a Variant of Uncertain Significance.

Color Diagnostics, LLC DBA Color Health
Classification: Uncertain significance for Von Hippel-Lindau syndrome. Last evaluated: 2025-06-11. Review status: criteria provided, single submitter. Criteria: ACMG Guidelines, 2015. Collection method: clinical testing. Allele origin: germline.
Comment: This missense variant replaces asparagine with serine at codon 193 of the VHL protein. Computational prediction suggests that this variant may not impact protein structure and function. To our knowledge, functional studies have not been reported for this variant. This variant has been reported in an individual affected with endometrial cancer who may have a pathogenic covariant (PMID: 34994648). This variant has not been identified in the general population by the Genome Aggregation Database (gnomAD). The available evidence is insufficient to determine the role of this variant in disease conclusively. Therefore, this variant is classified as a Variant of Uncertain Significance.

Baylor Genetics
Classification: Uncertain significance for Chuvash polycythemia. Last evaluated: 2024-02-13. Review status: criteria provided, single submitter. Criteria: ACMG Guidelines, 2015. Collection method: clinical testing. Allele origin: unknown.

All of Us Research Program, National Institutes of Health
Classification: Uncertain significance for Von Hippel-Lindau syndrome. Last evaluated: 2023-02-24. Review status: criteria provided, single submitter. Criteria: ACMG Guidelines, 2015. Collection method: clinical testing. Allele origin: germline. Inheritance: Autosomal dominant inheritance. Observed: 1 variant allele, 1 heterozygote.
Comment: This missense variant replaces asparagine with serine at codon 193 of the VHL protein. Computational prediction suggests that this variant may not impact protein structure and function (internally defined REVEL score threshold <= 0.5, PMID: 27666373). To our knowledge, functional studies have not been reported for this variant. This variant has been reported in an individual affected with endometrial cancer who may have a pathogenic covariant (PMID: 34994648). This variant has not been identified in the general population by the Genome Aggregation Database (gnomAD). The available evidence is insufficient to determine the role of this variant in disease conclusively. Therefore, this variant is classified as a Variant of Uncertain Significance.

This study involves interpretation of variants in research participants for the purpose of population health screening. Participant phenotype was not available at the time of variant classification. Additional details can be found in publication PMID: 35346344, PMCID: PMC8962531

GeneDx
Classification: Uncertain significance. Last evaluated: 2022-09-29. Review status: criteria provided, single submitter. Criteria: GeneDx Variant Classification Process June 2021. Collection method: clinical testing. Allele origin: germline. Affected: yes.
Comment: Not observed at significant frequency in large population cohorts (gnomAD); In silico analysis supports that this missense variant does not alter protein structure/function; Has not been previously published as pathogenic or benign to our knowledge

Literature cited by the submitters: PubMed 26580448 (cited by Ambry Genetics); PubMed 38969834 (cited by Ambry Genetics); PubMed 34994648 (cited by Color Diagnostics, LLC DBA Color Health and All of Us Research Program, National Institutes of Health).

NM_000551.4(VHL):c.578A>G (p.Asn193Ser)

Genes: VHL (von Hippel-Lindau tumor suppressor; plus strand), LOC107303340 (3p25 von Hippel-Lindau tumor suppressor, E3 ubiquitin protein ligase Alu-mediated recombination region; plus strand). Cytogenetic location: 3p25.3.
Variant type: single nucleotide variant.
Coding change: c.578A>G on transcript NM_000551.4 (MANE Select); coding-DNA position 578, A replaced by G.
Protein change: p.Asn193Ser; replaces asparagine 193 with serine.
Molecular consequence: missense variant. On other transcripts: 3 prime UTR variant (1).
Genome position (GRCh38, 1-based): chr3:10,149,901, A>G. VCF-style: chr3-10149901-A-G. GRCh37 (hg19) VCF-style: chr3-10191585-A-G.
Other names: c.*132A>G (NM_001354723.2); c.455A>G, p.Asn152Ser (NM_198156.3); short protein forms N193S, N152S.
Identifiers: ClinVar variation 246368 (VCV000246368.22), dbSNP rs879254225, ClinGen allele CA10584231.